The following is an entry in ClinVar:

ClinVar aggregate classification (germline): Uncertain significance (1 of 4 stars; one submission).

Submission:

Labcorp Genetics (formerly Invitae), Labcorp
Classification: Uncertain significance. Last evaluated: 2024-11-05. Review status: criteria provided, single submitter. Criteria: Invitae Variant Classification Sherloc (09022015). Collection method: clinical testing. Allele origin: germline.
Comment: This sequence change replaces valine, which is neutral and non-polar, with isoleucine, which is neutral and non-polar, at codon 237 of the SIAE protein (p.Val237Ile). This variant is not present in population databases (gnomAD no frequency). This variant has not been reported in the literature in individuals affected with SIAE-related conditions. ClinVar contains an entry for this variant (Variation ID: 2869554). An algorithm developed to predict the effect of missense changes on protein structure and function outputs the following: PolyPhen-2: "Benign". The isoleucine amino acid residue is found in multiple mammalian species, which suggests that this missense change does not adversely affect protein function. In summary, the available evidence is currently insufficient to determine the role of this variant in disease. Therefore, it has been classified as a Variant of Uncertain Significance.

NM_170601.5(SIAE):c.709G>A (p.Val237Ile)

Gene: SIAE (sialic acid acetylesterase; minus strand). Cytogenetic location: 11q24.2.
Variant type: single nucleotide variant.
Coding change: c.709G>A on transcript NM_170601.5 (MANE Select); coding-DNA position 709, G replaced by A.
Protein change: p.Val237Ile; replaces valine 237 with isoleucine.
Molecular consequence: missense variant.
Genome position (GRCh38, 1-based): chr11:124,649,632, C>T on the plus strand (G>A on the coding strand, the complement: SIAE is on the minus strand). VCF-style: chr11-124649632-C-T. GRCh37 (hg19) VCF-style: chr11-124519528-C-T.
Other names: c.604G>A, p.Val202Ile (NM_001199922.2); short protein forms V202I, V237I.
Identifiers: ClinVar variation 2869554 (VCV002869554.3), dbSNP rs2134366670, ClinGen allele CA383150385.